The following is an entry in ClinVar:

ClinVar aggregate classification (germline): Uncertain significance (1 of 4 stars; one submission).

Allele frequency attached by ClinVar (database versions not stated): gnomAD 0.00001.

Submission:

Labcorp Genetics (formerly Invitae), Labcorp
Classification: Uncertain significance. Last evaluated: 2024-03-05. Review status: criteria provided, single submitter. Criteria: Invitae Variant Classification Sherloc (09022015). Collection method: clinical testing. Allele origin: germline.
Comment: This sequence change replaces threonine, which is neutral and polar, with asparagine, which is neutral and polar, at codon 2518 of the FBN3 protein (p.Thr2518Asn). This variant is not present in population databases (gnomAD no frequency). This variant has not been reported in the literature in individuals affected with FBN3-related conditions. Advanced modeling of protein sequence and biophysical properties (such as structural, functional, and spatial information, amino acid conservation, physicochemical variation, residue mobility, and thermodynamic stability) performed at Invitae indicates that this missense variant is not expected to disrupt FBN3 protein function with a negative predictive value of 80%. In summary, the available evidence is currently insufficient to determine the role of this variant in disease. Therefore, it has been classified as a Variant of Uncertain Significance.

NM_032447.5(FBN3):c.7553C>A (p.Thr2518Asn)

Gene: FBN3 (fibrillin 3; minus strand). Cytogenetic location: 19p13.2.
Variant type: single nucleotide variant.
Coding change: c.7553C>A on transcript NM_032447.5 (MANE Select); coding-DNA position 7553, C replaced by A.
Protein change: p.Thr2518Asn; replaces threonine 2518 with asparagine.
Molecular consequence: missense variant.
Genome position (GRCh38, 1-based): chr19:8,075,312, G>T on the plus strand (C>A on the coding strand, the complement: FBN3 is on the minus strand). VCF-style: chr19-8075312-G-T. GRCh37 (hg19) VCF-style: chr19-8140196-G-T.
Other names: c.7553C>A, p.Thr2518Asn (NM_001321431.2); short protein forms T2518N.
Identifiers: ClinVar variation 2868307 (VCV002868307.3), dbSNP rs760093631, ClinGen allele CA403702081.